The following is an entry in ClinVar:

ClinVar aggregate classification (germline): Pathogenic. Review status: criteria provided, multiple submitters, no conflicts (2 of 4 stars). 3 submissions from 3 submitters: Pathogenic (2). 1 of the submissions does not count toward it. Last evaluated 2024-02-23.

Conditions:
Bruck syndrome 1 (BRKS1). Also called: ARTHROGRYPOSIS-LIKE DISORDER. Identifiers: Orphanet 1149, Orphanet 2771, MedGen C1850168, MONDO:0009806, OMIM 259450.
Osteogenesis imperfecta (OI). Identifiers: Orphanet 666, MedGen C0029434, MeSH D010013, MONDO:0019019.

Submissions (3):

Women's Health and Genetics/Laboratory Corporation of America, LabCorp
Classification: Pathogenic for Osteogenesis imperfecta. Last evaluated: 2024-02-23. Review status: criteria provided, single submitter. Criteria: LabCorp Variant Classification Summary - May 2015. Collection method: clinical testing. Allele origin: germline.
Comment: Variant summary: FKBP10 c.877_879delTAC (p.Tyr293del) results in an in-frame deletion that is predicted to remove one amino acid in the FKBP-type peptidyl-prolyl cis-trans isomerase domain (IPR001179) from the encoded protein. The variant was absent in 251136 control chromosomes. c.877_879delTAC has been reported at a homozygous state in the literature in multiple individuals affected with Kuskokwim syndrome. These data indicate that the variant is very likely to be associated with disease (Barnes_2013). At least one publication reports experimental evidence evaluating an impact on protein function. The most pronounced variant effect results in a residual 5% of normal FKBP65 protein levels due to destability and compromised hydroxylation levels of the telopeptide lysine in fibroblasts from patients with the homozygous variant (Barnes_2013). The following publication has been ascertained in the context of this evaluation (PMID: 23712425).ClinVar contains an entry for this variant (Variation ID: 208427). Based on the evidence outlined above, the variant was classified as pathogenic.

GeneDx
Classification: Pathogenic. Last evaluated: 2022-11-08. Review status: criteria provided, single submitter. Criteria: GeneDx Variant Classification Process June 2021. Collection method: clinical testing. Allele origin: germline. Affected: yes.
Comment: In-frame deletion of 1 amino acid in a non-repeat region; Not observed in large population cohorts (gnomAD); In silico analysis, which includes protein predictors and evolutionary conservation, supports a deleterious effect; This variant is associated with the following publications: (PMID: 23712425, 34173012)

OMIM
Classification: Pathogenic for BRUCK SYNDROME 1. Last evaluated: 2013-09-01. Review status: no assertion criteria provided. Collection method: literature only. Allele origin: germline. Not counted in ClinVar's aggregate classification.

Literature cited by the submitters: PubMed 23712425 (cited by Women's Health and Genetics/Laboratory Corporation of America, LabCorp and OMIM).

NM_021939.4(FKBP10):c.877_879del (p.Tyr293del)

Gene: FKBP10 (FKBP prolyl isomerase 10; plus strand). Cytogenetic location: 17q21.2.
Variant type: Deletion.
Coding change: c.877_879del on transcript NM_021939.4 (MANE Select); coding-DNA positions 877 to 879, 3 bases deleted (TAC; older notation c.877_879delTAC).
Protein change: p.Tyr293del; deletes tyrosine 293.
Molecular consequence: inframe deletion.
Genome position (GRCh38, 1-based): chr17:41,819,359-41,819,361, TAC deleted; deleting any 3 consecutive bases within chr17:41,819,357-41,819,361 gives the same sequence; the c. name uses the placement nearest the transcript's 3' end. VCF-style (leftmost placement, unchanged base first): chr17-41819356-CACT-C. GRCh37 (hg19) VCF-style: chr17-39975608-CACT-C.
Other names: c.877_879delTAC (NM_021939.3, NM_021939.4); short protein forms Y293del.
Identifiers: ClinVar variation 208427 (VCV000208427.5), dbSNP rs869320752, ClinGen allele CA358713.